The following is an entry in ClinVar:

ClinVar aggregate classification (germline): Uncertain significance. Review status: criteria provided, multiple submitters, no conflicts (2 of 4 stars). 2 submissions from 2 submitters: Uncertain significance (2). Last evaluated 2026-02-13.

Conditions:
Hereditary cancer-predisposing syndrome. Also called: Neoplastic Syndromes, Hereditary; Tumor predisposition; Hereditary Cancer Syndrome; Hereditary neoplastic syndrome. Identifiers: Orphanet 140162, MedGen C0027672, MeSH D009386, MONDO:0015356.

Submissions (2):

Ambry Genetics
Classification: Uncertain significance for Hereditary cancer-predisposing syndrome. Last evaluated: 2026-02-13. Review status: criteria provided, single submitter. Criteria: Ambry Variant Classification Scheme 2023. Collection method: clinical testing. Allele origin: germline.
Comment: The p.R289S variant (also known as c.867A>T), located in coding exon 5 of the MSH3 gene, results from an A to T substitution at nucleotide position 867. The arginine at codon 289 is replaced by serine, an amino acid with dissimilar properties. This amino acid position is conserved. In addition, this alteration is predicted to be deleterious by in silico analysis. Based on the available evidence, the clinical significance of this variant remains unclear.

Labcorp Genetics (formerly Invitae), Labcorp
Classification: Uncertain significance. Last evaluated: 2022-05-16. Review status: criteria provided, single submitter. Criteria: Invitae Variant Classification Sherloc (09022015). Collection method: clinical testing. Allele origin: germline.
Comment: This sequence change replaces arginine, which is basic and polar, with serine, which is neutral and polar, at codon 289 of the MSH3 protein (p.Arg289Ser). This variant is not present in population databases (gnomAD no frequency). This variant has not been reported in the literature in individuals affected with MSH3-related conditions. Algorithms developed to predict the effect of missense changes on protein structure and function (SIFT, PolyPhen-2, Align-GVGD) all suggest that this variant is likely to be disruptive. In summary, the available evidence is currently insufficient to determine the role of this variant in disease. Therefore, it has been classified as a Variant of Uncertain Significance.

NM_002439.5(MSH3):c.867A>T (p.Arg289Ser)

Gene: MSH3 (mutS homolog 3; plus strand). Cytogenetic location: 5q14.1.
Variant type: single nucleotide variant.
Coding change: c.867A>T on transcript NM_002439.5 (MANE Select); coding-DNA position 867, A replaced by T.
Protein change: p.Arg289Ser; replaces arginine 289 with serine.
Molecular consequence: missense variant.
Genome position (GRCh38, 1-based): chr5:80,672,318, A>T. VCF-style: chr5-80672318-A-T. GRCh37 (hg19) VCF-style: chr5-79968137-A-T.
Other names: c.867A>T (NM_002439.3); short protein forms R289S.
Identifiers: ClinVar variation 1995048 (VCV001995048.5), dbSNP rs2546722433, ClinGen allele CA360267217.